The following is an entry in ClinVar:

ClinVar aggregate classification (germline): Benign/Likely benign. Review status: criteria provided, multiple submitters, no conflicts (2 of 4 stars). 13 submissions from 13 submitters: Benign (10); Likely benign (1). 2 of the submissions do not count toward it. Last evaluated 2026-02-04.

Conditions:
Combined immunodeficiency due to DOCK8 deficiency (HIES2). Also called: HIES autosomal recessive; Hyper-IgE recurrent infection syndrome, autosomal recessive; HYPER-IgE RECURRENT INFECTION SYNDROME 2, AUTOSOMAL RECESSIVE; HYPER-IgE SYNDROME 2, AUTOSOMAL RECESSIVE, WITH RECURRENT INFECTIONS; DOCK8 Deficiency. Identifiers: Orphanet 217390, MedGen C4722305, MONDO:0009478, OMIM 243700.

Allele frequency attached by ClinVar (database versions not stated): ESP Exome Variant Server 0.67492; gnomAD 0.69369 and 0.70062; TOPMed 0.69518; 1000 Genomes Project 30x 0.71565; 1000 Genomes Project 0.72105; ExAC 0.75878; gnomAD exomes 0.76156 and 0.76657.
gnomAD v4.1: 1,214,670 of 1,607,664 alleles (76%); highest among the groups gnomAD compares: East Asian, 98%; 463,525 homozygotes.

Submissions (13):

Labcorp Genetics (formerly Invitae), Labcorp
Classification: Benign for Combined immunodeficiency due to DOCK8 deficiency. Last evaluated: 2026-02-04. Review status: criteria provided, single submitter. Criteria: Invitae Variant Classification Sherloc (09022015). Collection method: clinical testing. Allele origin: germline.

Women's Health and Genetics/Laboratory Corporation of America, LabCorp
Classification: Benign. Last evaluated: 2026-01-21. Review status: criteria provided, single submitter. Criteria: LabCorp Variant Classification Summary - May 2015. Collection method: clinical testing. Allele origin: germline.

Blueprint Genetics
Classification: Likely benign. Last evaluated: 2024-11-27. Review status: criteria provided, single submitter. Criteria: ACMG Guidelines, 2015. Collection method: clinical testing. Allele origin: germline.

Unidad de Genómica Garrahan, Hospital de Pediatría Garrahan
Classification: Benign. Last evaluated: 2023-11-12. Review status: criteria provided, single submitter. Criteria: ACMG Guidelines, 2015. Collection method: clinical testing. Allele origin: germline. Affected: no. Observed: 93 variant alleles.
Comment: This variant is classified as Benign based on local population frequency. This variant was detected in 97% of patients studied by a panel of primary immunodeficiencies. Number of patients: 93. Only high quality variants are reported.

Genome-Nilou Lab
Classification: Benign for Combined immunodeficiency due to DOCK8 deficiency. Last evaluated: 2021-07-14. Review status: criteria provided, single submitter. Criteria: ACMG Guidelines, 2015. Collection method: clinical testing. Allele origin: germline. Affected: no.

Mayo Clinic Laboratories, Mayo Clinic
Classification: Benign. Last evaluated: 2019-02-26. Review status: criteria provided, single submitter. Criteria: ACMG Guidelines, 2015. Collection method: clinical testing. Allele origin: germline. Observed: 825 variant alleles.

Illumina Laboratory Services, Illumina
Classification: Benign for Combined immunodeficiency due to DOCK8 deficiency. Last evaluated: 2018-01-12. Review status: criteria provided, single submitter. Criteria: ICSL Variant Classification Criteria 13 December 2019. Collection method: clinical testing. Allele origin: germline.
Comment: This variant was observed in the ICSL laboratory as part of a predisposition screen in an ostensibly healthy population. It had not been previously curated by ICSL or reported in the Human Gene Mutation Database (HGMD: prior to June 1st, 2018), and was therefore a candidate for classification through an automated scoring system. Utilizing variant allele frequency, disease prevalence and penetrance estimates, and inheritance mode, an automated score was calculated to assess if this variant is too frequent to cause the disease. Based on the score and internal cut-off values, a variant classified as benign is not then subjected to further curation. The score for this variant resulted in a classification of benign for this disease.

GeneDx
Classification: Benign. Last evaluated: 2015-03-03. Review status: criteria provided, single submitter. Criteria: GeneDx Variant Classification Process June 2021. Collection method: clinical testing. Allele origin: germline. Affected: yes.

Laboratory for Molecular Medicine, Mass General Brigham Personalized Medicine
Classification: Benign. Last evaluated: 2013-02-21. Review status: criteria provided, single submitter. Criteria: LMM Criteria. Collection method: clinical testing. Allele origin: germline. Observed: 59 variant alleles.
Comment: 4886+3A>G in intron 38 of DOCK8: This variant is not expected to have clinical s ignificance because it has been identified in 48.5% (2135/4406) of African Ameri can chromosomes from a broad population by the NHLBI Exome Sequencing Project (dbSNP rs2360712).

Breakthrough Genomics
Classification: Benign. Review status: criteria provided, single submitter. Criteria: ACMG Guidelines, 2015. Collection method: not provided. Allele origin: germline. Inheritance: Autosomal recessive inheritance. Affected: yes.

PreventionGenetics, part of Exact Sciences
Classification: Benign. Review status: criteria provided, single submitter. Criteria: ACMG Guidelines, 2015. Collection method: clinical testing. Allele origin: germline.

Diagnostic Laboratory, Department of Genetics, University Medical Center Groningen
Classification: Benign. Review status: no assertion criteria provided. Collection method: clinical testing. Allele origin: germline. Affected: yes. Study: VKGL Data-share Consensus. Not counted in ClinVar's aggregate classification.

Genome Diagnostics Laboratory, University Medical Center Utrecht
Classification: Benign. Review status: no assertion criteria provided. Collection method: clinical testing. Allele origin: germline. Affected: yes. Study: VKGL Data-share Consensus. Not counted in ClinVar's aggregate classification.

NM_203447.4(DOCK8):c.4886+3A>G

Gene: DOCK8 (dedicator of cytokinesis 8; plus strand). Cytogenetic location: 9p24.3.
Variant type: single nucleotide variant.
Coding change: c.4886+3A>G on transcript NM_203447.4 (MANE Select); 3 bases into the intron after coding-DNA position 4886, A replaced by G.
Molecular consequence: intron variant.
Genome position (GRCh38, 1-based): chr9:433,978, A>G. VCF-style: chr9-433978-A-G. GRCh37 (hg19) VCF-style: chr9-433978-A-G.
Other names: p.?; c.4682+3A>G (NM_001193536.2); c.4586+3A>G (NM_001190458.2).
Identifiers: ClinVar variation 163177 (VCV000163177.31), dbSNP rs2360712, ClinGen allele CA175870.
Genomic context (GRCh38, chr9:433,978, plus strand): 5'-CAGTGAAAATGAGGGAATTTCAGGAAGATCCTGAGATGCTTATGGATCTCATGTACAGGT[A>G]AGCTTTCCTGACACACTCAAGGGACACCATTTGGGGGTCGAGGATTTGTCACTGTGGAGT-3'